The following is an entry in ClinVar:

NM_177438.3(DICER1):c.2974C>T (p.His992Tyr)

Gene: DICER1 (dicer 1, ribonuclease III; minus strand). Cytogenetic location: 14q32.13.
Variant type: single nucleotide variant.
Coding change: c.2974C>T on transcript NM_177438.3 (MANE Select); coding-DNA position 2974, C replaced by T.
Protein change: p.His992Tyr; replaces histidine 992 with tyrosine.
Molecular consequence: missense variant.
Genome position (GRCh38, 1-based): chr14:95,106,054, G>A on the plus strand (C>T on the coding strand, the complement: DICER1 is on the minus strand). VCF-style: chr14-95106054-G-A. GRCh37 (hg19) VCF-style: chr14-95572391-G-A.
Other names: c.2974C>T, p.His992Tyr (NM_001195573.1, NM_001271282.3, NM_001291628.2 and 1 more transcripts); short protein forms H992Y.
Identifiers: ClinVar variation 649859 (VCV000649859.10), dbSNP rs1595373655, ClinGen allele CA390878807.

ClinVar aggregate classification (germline): Uncertain significance (1 of 4 stars; one submission).

Conditions:
DICER1-related tumor predisposition. Also called: DICER1-related pleuropulmonary blastoma cancer predisposition syndrome; DICER1 syndrome. Identifiers: Orphanet 284343, MedGen C3839822, MONDO:0100216.

Submission:

Labcorp Genetics (formerly Invitae), Labcorp
Classification: Uncertain significance for DICER1-related tumor predisposition. Last evaluated: 2018-09-17. Review status: criteria provided, single submitter. Criteria: Invitae Variant Classification Sherloc (09022015). Collection method: clinical testing. Allele origin: germline.
Comment: This sequence change replaces histidine with tyrosine at codon 992 of the DICER1 protein (p.His992Tyr). The histidine residue is highly conserved and there is a moderate physicochemical difference between histidine and tyrosine. This variant is not present in population databases (ExAC no frequency). This variant has not been reported in the literature in individuals with DICER1-related disease. Algorithms developed to predict the effect of missense changes on protein structure and function (SIFT, PolyPhen-2, Align-GVGD) all suggest that this variant is likely to be tolerated, but these predictions have not been confirmed by published functional studies and their clinical significance is uncertain. In summary, the available evidence is currently insufficient to determine the role of this variant in disease. Therefore, it has been classified as a Variant of Uncertain Significance.